The following is an entry in ClinVar:

ClinVar aggregate classification (germline): Uncertain significance (1 of 4 stars; one submission).

Conditions:
Breast-ovarian cancer, familial, susceptibility to, 2 (BROVCA2). Also called: BRCA2 Hereditary Breast and Ovarian Cancer. Identifiers: Orphanet 145, MedGen C2675520, MONDO:0012933, OMIM 612555. Disease mechanism: loss of function.

Submission:

All of Us Research Program, National Institutes of Health
Classification: Uncertain significance for Breast-ovarian cancer, familial, susceptibility to, 2. Last evaluated: 2023-08-15. Review status: criteria provided, single submitter. Criteria: ACMG Guidelines, 2015. Collection method: clinical testing. Allele origin: germline. Inheritance: Autosomal dominant inheritance. Observed: 1 variant allele, 1 heterozygote.
Comment: This missense variant replaces asparagine with aspartic acid at codon 3178 of the BRCA2 protein. Computational prediction suggests that this variant may not impact protein structure and function (internally defined REVEL score threshold <= 0.5, PMID: 27666373). To our knowledge, functional studies have not been reported for this variant. This variant has not been reported in individuals affected with BRCA2-related disorders in the literature. This variant has not been identified in the general population by the Genome Aggregation Database (gnomAD). The available evidence is insufficient to determine the role of this variant in disease conclusively. Therefore, this variant is classified as a Variant of Uncertain Significance.

This study involves interpretation of variants in research participants for the purpose of population health screening. Participant phenotype was not available at the time of variant classification. Additional details can be found in publication PMID: 35346344, PMCID: PMC8962531

NM_000059.4(BRCA2):c.9532A>G (p.Asn3178Asp)

Gene: BRCA2 (BRCA2 DNA repair associated; plus strand). Cytogenetic location: 13q13.1.
Variant type: single nucleotide variant.
Coding change: c.9532A>G on transcript NM_000059.4 (MANE Select); coding-DNA position 9532, A replaced by G.
Protein change: p.Asn3178Asp; replaces asparagine 3178 with aspartic acid.
Molecular consequence: missense variant. On other transcripts: non-coding transcript variant (1).
Genome position (GRCh38, 1-based): chr13:32,396,928, A>G. VCF-style: chr13-32396928-A-G. GRCh37 (hg19) VCF-style: chr13-32971065-A-G.
Other names: c.9436A>G, p.Asn3146Asp (NM_001406719.1); c.9481A>G, p.Asn3161Asp (NM_001406720.1); c.4600A>G, p.Asn1534Asp (NM_001406721.1); c.3115A>G, p.Asn1039Asp (NM_001406722.1); short protein forms N1039D, N1534D, N3146D, N3161D, N3178D.
Identifiers: ClinVar variation 3072932 (VCV003072932.1), dbSNP rs2548563675, ClinGen allele CA387763056.